The following is an entry in ClinVar:

NM_020207.7(ERCC6L2):c.1375G>T (p.Val459Phe)

Gene: ERCC6L2 (ERCC excision repair 6 like 2; plus strand). Cytogenetic location: 9q22.32.
Variant type: single nucleotide variant.
Coding change: c.1375G>T on transcript NM_020207.7 (MANE Select); coding-DNA position 1375, G replaced by T.
Protein change: p.Val459Phe; replaces valine 459 with phenylalanine.
Molecular consequence: missense variant. On other transcripts: non-coding transcript variant (1).
Genome position (GRCh38, 1-based): chr9:95,922,380, G>T. VCF-style: chr9-95922380-G-T. GRCh37 (hg19) VCF-style: chr9-98684662-G-T.
Other names: c.1375G>T, p.Val459Phe (NM_001010895.4, NM_001375291.1, NM_001375292.1 and 2 more transcripts); c.1408G>T (NM_001010895.2); short protein forms V459F.
Identifiers: ClinVar variation 1060784 (VCV001060784.42), dbSNP rs146551545, ClinGen allele CA5139540.

ClinVar aggregate classification (germline): Conflicting classifications of pathogenicity. Review status: criteria provided, conflicting classifications (1 of 4 stars). 7 submissions from 7 submitters: Uncertain significance (4); Likely benign (2). 1 of the submissions does not count toward it. Last evaluated 2026-01-26.

Conditions:
ERCC6L2-related disorder. Also called: ERCC6L2-related condition.
Inborn genetic diseases. Identifiers: MedGen C0950123, MeSH D030342.

Allele frequency attached by ClinVar (database versions not stated): 1000 Genomes Project 30x 0.00078; 1000 Genomes Project 0.00080; ESP Exome Variant Server 0.00085; ExAC 0.00091; gnomAD 0.00122 and 0.00123; TOPMed 0.00133.
gnomAD v4.1: 2,398 of 1,613,274 alleles (0.15%); highest among the groups gnomAD compares: Middle Eastern, 0.33%; 3 homozygotes.

Submissions (7):

Labcorp Genetics (formerly Invitae), Labcorp
Classification: Likely benign. Last evaluated: 2026-01-26. Review status: criteria provided, single submitter. Criteria: Invitae Variant Classification Sherloc (09022015). Collection method: clinical testing. Allele origin: germline.

CeGaT Center for Human Genetics Tuebingen
Classification: Likely benign. Last evaluated: 2025-10-01. Review status: criteria provided, single submitter. Criteria: CeGaT Center For Human Genetics Tuebingen Variant Classification Criteria Version 2. Collection method: clinical testing. Allele origin: germline. Affected: yes. Observed: 3 variant alleles.
Comment: ERCC6L2: BP4

Blueprint Genetics
Classification: Uncertain significance. Last evaluated: 2024-11-06. Review status: criteria provided, single submitter. Criteria: ACMG Guidelines, 2015. Collection method: clinical testing. Allele origin: germline.

GeneDx
Classification: Uncertain significance. Last evaluated: 2023-07-03. Review status: criteria provided, single submitter. Criteria: GeneDx Variant Classification Process June 2021. Collection method: clinical testing. Allele origin: germline. Affected: yes.
Comment: Has been reported in a publication screening the performance of variant annotation tools of variants observed via medical exome through a molecular diagnostic laboratory; however no patient specific details were provided in this publication (Tuteja et al., 2022); In silico analysis, which includes protein predictors and evolutionary conservation, supports a deleterious effect; This variant is associated with the following publications: (PMID: 36268089)

Ambry Genetics
Classification: Uncertain significance for Inborn genetic diseases. Last evaluated: 2021-08-02. Review status: criteria provided, single submitter. Criteria: Ambry Variant Classification Scheme 2023. Collection method: clinical testing. Allele origin: germline.

Genetic Services Laboratory, University of Chicago
Classification: Uncertain significance. Last evaluated: 2021-03-01. Review status: criteria provided, single submitter. Criteria: ACMG Guidelines, 2015. Collection method: clinical testing. Allele origin: germline. Affected: no.
Comment: This sequence change does not appear to have been previously described in patients with ERCC6L2-related disorders and has been described in the gnomAD database with a relatively high population frequency of 0.22% in Latino subpopulation (dbSNP rs146551545). The p.Val470Phe change affects a moderately conserved amino acid residue located in a domain of the ERCC6L2 protein that is not known to be functional. In-silico pathogenicity prediction tools (SIFT, PolyPhen2, Align GVGD, REVEL) provide contradictory results for the p.Val470Phe substitution. Due to these contrasting evidences and the lack of functional studies, the clinical significance of the p.Val470Phe change remains unknown at this time.

PreventionGenetics, part of Exact Sciences
Classification: Likely benign for ERCC6L2-related condition. Last evaluated: 2022-03-20. Review status: no assertion criteria provided. Collection method: clinical testing. Allele origin: germline. Not counted in ClinVar's aggregate classification.
Comment: This variant is classified as likely benign based on ACMG/AMP sequence variant interpretation guidelines (Richards et al. 2015 PMID: 25741868, with internal and published modifications).